The following is an entry in ClinVar:

ClinVar aggregate classification (germline): Likely pathogenic (1 of 4 stars; one submission).

Conditions:
Immunodeficiency, common variable, 1. Also called: ANTIBODY DEFICIENCY DUE TO ICOS DEFECT. Identifiers: Orphanet 1572, Orphanet 695183, MedGen C3149378, MONDO:0011864, OMIM 607594.

Submission:

Yasuda Lab, Institute of Science Tokyo
Classification: Likely pathogenic for Immunodeficiency, common variable, 1. Last evaluated: 2009-02-24. Review status: criteria provided, single submitter. Criteria: Submitter's publication. Collection method: research. Allele origin: germline. Inheritance: Autosomal recessive inheritance. Affected: yes.
Comment: The ICOS 285delT variant causes a frameshift in the ICOS coding region and introduces a premature stop codon, resulting in p.Phe95Serfs*27 / F95fsX121. The variant was reported homozygously in two siblings with ICOS deficiency, while unaffected relatives were heterozygous carriers. Activated T cells from the affected individuals lacked surface ICOS expression, supporting loss of protein function. The affected individuals showed clinical and immunological findings consistent with autosomal recessive ICOS deficiency, including impaired immunoglobulin class switching, markedly reduced switched memory B cells, hypogammaglobulinemia or abnormal immunoglobulin levels, recurrent infections, and, in one individual, autoimmune and inflammatory manifestations including rheumatoid arthritis, inflammatory bowel disease, interstitial pneumonitis, and psoriasis-like skin disease. Functional studies demonstrated reduced CD4 and CD8 memory T-cell populations, impaired Th1/Th2/Th17 cytokine production, defective induction of lineage-associated transcription factors, and reduced CTLA-4-positive regulatory T-cell subsets. Taken together, the truncating nature of the variant, homozygous occurrence in affected individuals, segregation with carrier status in unaffected relatives, absent ICOS surface expression, and functional evidence of impaired immune responses support classification of this variant as pathogenic.

Literature cited by the submitters: DOI 10.4049/jimmunol.0803256.

NM_012092.4(ICOS):c.285del (p.Leu96fs)

Gene: ICOS (inducible T cell costimulator; plus strand). Cytogenetic location: 2q33.2.
Variant type: Deletion.
Coding change: c.285del on transcript NM_012092.4 (MANE Select); coding-DNA position 285, one base deleted (T; older notation c.285delT).
Protein change: p.Leu96fs; shifts the reading frame from leucine 96.
Molecular consequence: frameshift variant.
Genome position (GRCh38, 1-based): chr2:203,955,862, T deleted; the last of 7 consecutive T bases (chr2:203,955,856-203,955,862); deleting any one gives the same sequence. VCF-style (leftmost placement, unchanged base first): chr2-203955855-CT-C. GRCh37 (hg19) VCF-style: chr2-204820578-CT-C.
Other names: c.285delT (NM_012092.4); short protein forms L96fs.
Identifiers: ClinVar variation 4871840 (VCV004871840.1).
Genomic context (GRCh38, chr2:203,955,855, plus strand): 5'-ACACAGTGTCCATTAAGAGTCTGAAATTCTGCCATTCTCAGTTATCCAACAACAGTGTCT[CT>C]TTTTTTCTATACAACTTGGACCATTCTCATGCCAACTATTACTTCTGCAACCTATCAATT-3'